The following is an entry in ClinVar:

NM_021913.5(AXL):c.883C>T (p.Arg295Trp)

Gene: AXL (AXL receptor tyrosine kinase; plus strand). Cytogenetic location: 19q13.2.
Variant type: single nucleotide variant.
Coding change: c.883C>T on transcript NM_021913.5 (MANE Select); coding-DNA position 883, C replaced by T.
Protein change: p.Arg295Trp; replaces arginine 295 with tryptophan.
Molecular consequence: missense variant.
Genome position (GRCh38, 1-based): chr19:41,238,043, C>T. VCF-style: chr19-41238043-C-T. GRCh37 (hg19) VCF-style: chr19-41743948-C-T.
Other names: c.79C>T, p.Arg27Trp (NM_001278599.2); c.883C>T, p.Arg295Trp (NM_001699.6); short protein forms R295W, R27W.
Identifiers: ClinVar variation 2884967 (VCV002884967.3), dbSNP rs751738506, ClinGen allele CA9458108.

ClinVar aggregate classification (germline): Uncertain significance (1 of 4 stars; one submission).

Allele frequency attached by ClinVar (database versions not stated): TOPMed 0.00004; ExAC 0.00002; gnomAD exomes 0.00003; gnomAD 0.00004.

Submission:

Labcorp Genetics (formerly Invitae), Labcorp
Classification: Uncertain significance. Last evaluated: 2024-01-21. Review status: criteria provided, single submitter. Criteria: Invitae Variant Classification Sherloc (09022015). Collection method: clinical testing. Allele origin: germline.
Comment: This sequence change replaces arginine, which is basic and polar, with tryptophan, which is neutral and slightly polar, at codon 295 of the AXL protein (p.Arg295Trp). The frequency data for this variant in the population databases is considered unreliable, as metrics indicate poor data quality at this position in the gnomAD database. This variant has not been reported in the literature in individuals affected with AXL-related conditions. Advanced modeling of protein sequence and biophysical properties (such as structural, functional, and spatial information, amino acid conservation, physicochemical variation, residue mobility, and thermodynamic stability) performed at Invitae indicates that this missense variant is not expected to disrupt AXL protein function with a negative predictive value of 80%. In summary, the available evidence is currently insufficient to determine the role of this variant in disease. Therefore, it has been classified as a Variant of Uncertain Significance.